The following is an entry in ClinVar:

NM_001148.6(ANK2):c.1439T>C (p.Val480Ala)

Gene: ANK2 (ankyrin 2; plus strand). Cytogenetic location: 4q26.
Variant type: single nucleotide variant.
Coding change: c.1439T>C on transcript NM_001148.6 (MANE Select); coding-DNA position 1439, T replaced by C.
Protein change: p.Val480Ala; replaces valine 480 with alanine.
Molecular consequence: missense variant.
Genome position (GRCh38, 1-based): chr4:113,264,949, T>C. VCF-style: chr4-113264949-T-C. GRCh37 (hg19) VCF-style: chr4-114186105-T-C.
Other names: c.1376T>C, p.Val459Ala (NM_001127493.3, NM_001354239.2, NM_001354243.2 and 14 more transcripts); c.1439T>C, p.Val480Ala (NM_001354225.2, NM_001354228.2, NM_001354232.2 and 8 more transcripts); c.1484T>C, p.Val495Ala (NM_001354230.2, NM_001354231.2, NM_001354237.2 and 5 more transcripts); c.1352T>C, p.Val451Ala (NM_001354249.2, NM_001354260.2, NM_001354264.2 and 13 more transcripts); c.1397T>C, p.Val466Ala (NM_001354261.2, NM_001386147.1, NM_001386160.1); c.1229T>C, p.Val410Ala (NM_001354269.3); c.1241T>C, p.Val414Ala (NM_001354273.2); c.1154T>C, p.Val385Ala (NM_001354277.2, NM_001386157.1, NM_001386158.1); and 4 more; short protein forms V414A, V451A, V466A, V468A, V476A, V489A, V497A, V385A.
Identifiers: ClinVar variation 3539607 (VCV003539607.1).

ClinVar aggregate classification (germline): Uncertain significance (1 of 4 stars; one submission).

Conditions:
Cardiovascular phenotype. Identifiers: MedGen CN230736.

Submission:

Ambry Genetics
Classification: Uncertain significance for Cardiovascular phenotype. Last evaluated: 2024-08-23. Review status: criteria provided, single submitter. Criteria: Ambry Variant Classification Scheme 2023. Collection method: clinical testing. Allele origin: germline.
Comment: The p.V480A variant (also known as c.1439T>C), located in coding exon 14 of the ANK2 gene, results from a T to C substitution at nucleotide position 1439. The valine at codon 480 is replaced by alanine, an amino acid with similar properties. This amino acid position is conserved. In addition, the in silico prediction for this alteration is inconclusive. Based on the available evidence, the clinical significance of this variant remains unclear.